The following is an entry in ClinVar:

ClinVar aggregate classification (germline): Uncertain significance (1 of 4 stars; one submission).

Allele frequency attached by ClinVar (database versions not stated): gnomAD exomes below 0.00001; gnomAD 0.00001.
gnomAD v4.1: 4 of 1,583,702 alleles (0.00025%); highest among the groups gnomAD compares: African/African-American, 0.0028%; no homozygotes.

Submission:

Labcorp Genetics (formerly Invitae), Labcorp
Classification: Uncertain significance. Last evaluated: 2023-07-13. Review status: criteria provided, single submitter. Criteria: Invitae Variant Classification Sherloc (09022015). Collection method: clinical testing. Allele origin: germline.
Comment: This sequence change replaces glycine, which is neutral and non-polar, with aspartic acid, which is acidic and polar, at codon 515 of the PCLO protein (p.Gly515Asp). The frequency data for this variant in the population databases is considered unreliable, as metrics indicate poor data quality at this position in the gnomAD database. This variant has not been reported in the literature in individuals affected with PCLO-related conditions. Algorithms developed to predict the effect of missense changes on protein structure and function output the following: SIFT: "Not Available"; PolyPhen-2: "Probably Damaging"; Align-GVGD: "Not Available". The aspartic acid amino acid residue is found in multiple mammalian species, which suggests that this missense change does not adversely affect protein function. In summary, the available evidence is currently insufficient to determine the role of this variant in disease. Therefore, it has been classified as a Variant of Uncertain Significance.

NM_033026.6(PCLO):c.1544G>A (p.Gly515Asp)

Gene: PCLO (piccolo presynaptic cytomatrix protein; minus strand). Cytogenetic location: 7q21.11.
Variant type: single nucleotide variant.
Coding change: c.1544G>A on transcript NM_033026.6 (MANE Select); coding-DNA position 1544, G replaced by A.
Protein change: p.Gly515Asp; replaces glycine 515 with aspartic acid.
Molecular consequence: missense variant.
Genome position (GRCh38, 1-based): chr7:83,155,097, C>T on the plus strand (G>A on the coding strand, the complement: PCLO is on the minus strand). VCF-style: chr7-83155097-C-T. GRCh37 (hg19) VCF-style: chr7-82784413-C-T.
Other names: c.1544G>A, p.Gly515Asp (NM_014510.3); short protein forms G515D.
Identifiers: ClinVar variation 2872411 (VCV002872411.3), dbSNP rs1335275886, ClinGen allele CA367913848.